The following is an entry in ClinVar:

ClinVar aggregate classification (germline): Likely pathogenic (1 of 4 stars; one submission).

Conditions:
Cerebellar ataxia, impaired intellectual development, and dysequilibrium syndrome 4. Also called: CEREBELLAR ATAXIA AND MENTAL RETARDATION WITH OR WITHOUT QUADRUPEDAL LOCOMOTION 4; Cerebellar ataxia, mental retardation, and dysequilibrium syndrome 4; Cerebellar ataxia, intellectual disability, and dysequilibrium syndrome 4. Identifiers: Orphanet 1766, MedGen C3808977, MONDO:0014104, OMIM 615268.

Submission:

Variantyx, Inc.
Classification: Likely pathogenic for Cerebellar ataxia, impaired intellectual development, and dysequilibrium syndrome 4. Last evaluated: 2025-11-17. Review status: criteria provided, single submitter. Criteria: Variantyx Assertion Criteria 2022. Collection method: clinical testing. Allele origin: germline. Inheritance: Autosomal recessive inheritance. Affected: no.
Comment: This is a nonsense variant in the ATP8A2 gene (OMIM: 605870). Pathogenic variants in this gene have been associated with autosomal recessive cerebellar ataxia, impaired intellectual development, and dysequilibrium syndrome 4 (provisional association). The alteration introduces a premature termination codon in exon 9 out of 37 and is expected to result in loss of function, which is a known disease mechanism for ATP8A2 in this disorder (PMID: 29531481, 35321980) (PVS1). This variant is absent from control populations (PM2) and it has not been reported in individuals with ATP8A2-related disorders in the databases available for review. Based on the current evidence, this variant is classified as likely pathogenic for autosomal recessive cerebellar ataxia, impaired intellectual development, and dysequilibrium syndrome 4 (provisional association).N

Literature cited by the submitters: PubMed 29531481; PubMed 35321980.

NM_016529.6(ATP8A2):c.744T>G (p.Tyr248Ter)

Gene: ATP8A2 (ATPase phospholipid transporting 8A2). Cytogenetic location: 13q12.13.
Variant type: single nucleotide variant.
Coding change: c.744T>G on transcript NM_016529.6 (MANE Select); coding-DNA position 744, T replaced by G.
Protein change: p.Tyr248Ter; replaces tyrosine 248 with a stop codon.
Molecular consequence: nonsense.
Genome position (GRCh38, 1-based): chr13:25,542,011, T>G. VCF-style: chr13-25542011-T-G. GRCh37 (hg19) VCF-style: chr13-26116149-T-G.
Other names: c.624T>G, p.Tyr208Ter (NM_001313741.1); c.744T>G, p.Tyr248Ter (NM_001411005.1, NM_001411006.1); short protein forms Y208*, Y248*.
Identifiers: ClinVar variation 4850007 (VCV004850007.1).